The following is an entry in ClinVar:

ClinVar aggregate classification (germline): Uncertain significance. Review status: criteria provided, multiple submitters, no conflicts (2 of 4 stars). 2 submissions from 2 submitters: Uncertain significance (2). Last evaluated 2024-04-03.

Conditions:
Hereditary cancer-predisposing syndrome. Also called: Hereditary neoplastic syndrome; Hereditary Cancer Syndrome; Neoplastic Syndromes, Hereditary; Tumor predisposition. Identifiers: Orphanet 140162, MedGen C0027672, MeSH D009386, MONDO:0015356.
Bloom syndrome (BLM). Also called: Bloom-Torre-Machacek syndrome. Identifiers: Orphanet 125, MedGen C0005859, MONDO:0008876, OMIM 210900.

Submissions (2):

Labcorp Genetics (formerly Invitae), Labcorp
Classification: Uncertain significance for Bloom syndrome. Last evaluated: 2024-04-03. Review status: criteria provided, single submitter. Criteria: Invitae Variant Classification Sherloc (09022015). Collection method: clinical testing. Allele origin: germline.
Comment: This sequence change replaces aspartic acid, which is acidic and polar, with glutamic acid, which is acidic and polar, at codon 954 of the BLM protein (p.Asp954Glu). This variant is not present in population databases (gnomAD no frequency). This variant has not been reported in the literature in individuals affected with BLM-related conditions. ClinVar contains an entry for this variant (Variation ID: 2566846). Advanced modeling of protein sequence and biophysical properties (such as structural, functional, and spatial information, amino acid conservation, physicochemical variation, residue mobility, and thermodynamic stability) performed at Invitae indicates that this missense variant is expected to disrupt BLM protein function with a positive predictive value of 80%. In summary, the available evidence is currently insufficient to determine the role of this variant in disease. Therefore, it has been classified as a Variant of Uncertain Significance.

Ambry Genetics
Classification: Uncertain significance for Hereditary cancer-predisposing syndrome. Last evaluated: 2023-05-26. Review status: criteria provided, single submitter. Criteria: Ambry Variant Classification Scheme 2023. Collection method: clinical testing. Allele origin: germline.
Comment: The p.D954E variant (also known as c.2862C>A), located in coding exon 14 of the BLM gene, results from a C to A substitution at nucleotide position 2862. The aspartic acid at codon 954 is replaced by glutamic acid, an amino acid with highly similar properties. This amino acid position is conserved. In addition, this alteration is predicted to be deleterious by in silico analysis. Since supporting evidence is limited at this time, the clinical significance of this alteration remains unclear.

NM_000057.4(BLM):c.2862C>A (p.Asp954Glu)

Gene: BLM (BLM RecQ like helicase; plus strand). Cytogenetic location: 15q26.1.
Variant type: single nucleotide variant.
Coding change: c.2862C>A on transcript NM_000057.4 (MANE Select); coding-DNA position 2862, C replaced by A.
Protein change: p.Asp954Glu; replaces aspartic acid 954 with glutamic acid.
Molecular consequence: missense variant.
Genome position (GRCh38, 1-based): chr15:90,790,687, C>A. VCF-style: chr15-90790687-C-A. GRCh37 (hg19) VCF-style: chr15-91333917-C-A.
Other names: c.2862C>A, p.Asp954Glu (NM_001287246.2, NM_001287247.2); c.1737C>A, p.Asp579Glu (NM_001287248.2); short protein forms D579E, D954E.
Identifiers: ClinVar variation 2566846 (VCV002566846.4), dbSNP rs907953613, ClinGen allele CA393846297.